The following is an entry in ClinVar:

NM_020655.4(JPH3):c.1161-2A>G

Gene: JPH3 (junctophilin 3; plus strand). Cytogenetic location: 16q24.2.
Variant type: single nucleotide variant.
Coding change: c.1161-2A>G on transcript NM_020655.4 (MANE Select); the canonical splice acceptor site of the intron before coding-DNA position 1161, A replaced by G.
Molecular consequence: splice acceptor variant.
Genome position (GRCh38, 1-based): chr16:87,684,140, A>G. VCF-style: chr16-87684140-A-G. GRCh37 (hg19) VCF-style: chr16-87717746-A-G.
Identifiers: ClinVar variation 1800674 (VCV001800674.1), dbSNP rs2507639578, ClinGen allele CA397029549.

ClinVar aggregate classification (germline): Uncertain significance (1 of 4 stars; one submission).

Submission:

GeneDx
Classification: Uncertain significance. Last evaluated: 2022-05-19. Review status: criteria provided, single submitter. Criteria: GeneDx Variant Classification Process June 2021. Collection method: clinical testing. Allele origin: germline. Affected: yes.
Comment: Not observed at significant frequency in large population cohorts (gnomAD); Canonical splice site variant in a gene or region of a gene for which loss of function is not a well-established mechanism of disease; Has not been previously published as pathogenic or benign to our knowledge